The following is an entry in ClinVar:

NM_000377.3(WAS):c.1274T>C (p.Leu425Pro)

Gene: WAS (WASP actin nucleation promoting factor; plus strand). Cytogenetic location: Xp11.23.
Variant type: single nucleotide variant.
Coding change: c.1274T>C on transcript NM_000377.3 (MANE Select); coding-DNA position 1274, T replaced by C.
Protein change: p.Leu425Pro; replaces leucine 425 with proline.
Molecular consequence: missense variant.
Genome position (GRCh38, 1-based): chrX:48,689,002, T>C. VCF-style: chrX-48689002-T-C. GRCh37 (hg19) VCF-style: chrX-48547391-T-C.
Other names: short protein forms L425P.
Identifiers: ClinVar variation 1951247 (VCV001951247.5), dbSNP rs1557007314, ClinGen allele CA412873627.

ClinVar aggregate classification (germline): Uncertain significance (1 of 4 stars; one submission).

Conditions:
X-linked severe congenital neutropenia (SCNX). Identifiers: Orphanet 86788, MedGen C1845987, MONDO:0010294, OMIM 300299.
Thrombocytopenia 1. Also called: THROMBOCYTOPENIA, X-LINKED, 1; X-linked thrombocytopenia with normal platelets; X-Linked Thrombocytopenia (XLT). Identifiers: Orphanet 268322, Orphanet 852, MedGen C1839163, MONDO:0010743, OMIM 313900.
Wiskott-Aldrich syndrome (WAS). Also called: Wiskott-aldrich syndrome, somatic; ALDRICH SYNDROME; IMMUNODEFICIENCY 2; WISKOTT-ALDRICH SYNDROME 1. Identifiers: Orphanet 906, MedGen C0043194, MONDO:0010518, OMIM 301000.

Allele frequency attached by ClinVar (database versions not stated): gnomAD exomes below 0.00001.
gnomAD v4.1: 1 of 1,201,090 alleles (0.000083%); no homozygotes.

Submission:

Labcorp Genetics (formerly Invitae), Labcorp
Classification: Uncertain significance for Wiskott-Aldrich syndrome; X-linked severe congenital neutropenia; Thrombocytopenia 1. Last evaluated: 2023-11-24. Review status: criteria provided, single submitter. Criteria: Invitae Variant Classification Sherloc (09022015). Collection method: clinical testing. Allele origin: germline.
Comment: This sequence change replaces leucine, which is neutral and non-polar, with proline, which is neutral and non-polar, at codon 425 of the WAS protein (p.Leu425Pro). This variant is not present in population databases (gnomAD no frequency). This variant has not been reported in the literature in individuals affected with WAS-related conditions. ClinVar contains an entry for this variant (Variation ID: 1951247). Advanced modeling of protein sequence and biophysical properties (such as structural, functional, and spatial information, amino acid conservation, physicochemical variation, residue mobility, and thermodynamic stability) performed at Invitae indicates that this missense variant is expected to disrupt WAS protein function with a positive predictive value of 80%. In summary, the available evidence is currently insufficient to determine the role of this variant in disease. Therefore, it has been classified as a Variant of Uncertain Significance.